The following is an entry in ClinVar:

NM_014141.6(CNTNAP2):c.65T>C (p.Leu22Pro)

Gene: CNTNAP2 (contactin associated protein 2; plus strand). Cytogenetic location: 7q35.
Variant type: single nucleotide variant.
Coding change: c.65T>C on transcript NM_014141.6 (MANE Select); coding-DNA position 65, T replaced by C.
Protein change: p.Leu22Pro; replaces leucine 22 with proline.
Molecular consequence: missense variant.
Genome position (GRCh38, 1-based): chr7:146,116,941, T>C. VCF-style: chr7-146116941-T-C. GRCh37 (hg19) VCF-style: chr7-145814033-T-C.
Other names: short protein forms L22P.
Identifiers: ClinVar variation 205311 (VCV000205311.26), dbSNP rs768374052, ClinGen allele CA314255.
Genomic context (GRCh38, chr7:146,116,941, plus strand): 5'-AGGCGGCTCCGCGCGCCGGCTGCGGGGCAGCGCTCCTGCTGTGGATTGTCAGCAGCTGCC[T>C]CTGCAGAGCCTGGACGGCTCCCTCCACGTCCCGTAAGTAGCCGTCTCCTCGCTCTGCTCT-3'
Protein context (NP_054860.1, residues 12-32): ALLLWIVSSC[Leu22Pro]CRAWTAPSTS

ClinVar aggregate classification (germline): Uncertain significance. Review status: criteria provided, multiple submitters, no conflicts (2 of 4 stars). 6 submissions from 6 submitters: Uncertain significance (6). Last evaluated 2025-10-15.

Conditions:
Inborn genetic diseases. Identifiers: MedGen C0950123, MeSH D030342.
Cortical dysplasia-focal epilepsy syndrome (PTHSL1). Also called: Pitt-Hopkins-like syndrome 1. Identifiers: Orphanet 163681, Orphanet 221150, MedGen C2750246, MONDO:0012400, OMIM 610042.

Allele frequency attached by ClinVar (database versions not stated): ExAC below 0.00001; gnomAD exomes 0.00004 and 0.00010; TOPMed 0.00007; gnomAD 0.00010 and 0.00011.
gnomAD v4.1: 73 of 1,552,032 alleles (0.0047%); highest among the groups gnomAD compares: Admixed American, 0.039%; no homozygotes.

Submissions (6):

Ambry Genetics
Classification: Uncertain significance for Inborn genetic diseases. Last evaluated: 2025-10-15. Review status: criteria provided, single submitter. Criteria: Ambry Variant Classification Scheme 2023. Collection method: clinical testing. Allele origin: germline.

Blueprint Genetics
Classification: Uncertain significance. Last evaluated: 2024-10-29. Review status: criteria provided, single submitter. Criteria: ACMG Guidelines, 2015. Collection method: clinical testing. Allele origin: germline.

Labcorp Genetics (formerly Invitae), Labcorp
Classification: Uncertain significance for Cortical dysplasia-focal epilepsy syndrome. Last evaluated: 2024-10-16. Review status: criteria provided, single submitter. Criteria: Invitae Variant Classification Sherloc (09022015). Collection method: clinical testing. Allele origin: germline.
Comment: This sequence change replaces leucine, which is neutral and non-polar, with proline, which is neutral and non-polar, at codon 22 of the CNTNAP2 protein (p.Leu22Pro). This variant is present in population databases (rs768374052, gnomAD 0.05%). This variant has not been reported in the literature in individuals affected with CNTNAP2-related conditions. ClinVar contains an entry for this variant (Variation ID: 205311). An algorithm developed to predict the effect of missense changes on protein structure and function (PolyPhen-2) suggests that this variant¬†is likely to be tolerated. In summary, the available evidence is currently insufficient to determine the role of this variant in disease. Therefore, it has been classified as a Variant of Uncertain Significance.

GeneDx
Classification: Uncertain significance. Last evaluated: 2023-01-27. Review status: criteria provided, single submitter. Criteria: GeneDx Variant Classification Process June 2021. Collection method: clinical testing. Allele origin: germline. Affected: yes.
Comment: In silico analysis supports that this missense variant does not alter protein structure/function; Has not been previously published as pathogenic or benign to our knowledge

Illumina Laboratory Services, Illumina
Classification: Uncertain significance for Cortical dysplasia-focal epilepsy syndrome. Last evaluated: 2018-01-13. Review status: criteria provided, single submitter. Criteria: ICSL Variant Classification Criteria 13 December 2019. Collection method: clinical testing. Allele origin: germline.

Eurofins Ntd Llc (ga)
Classification: Uncertain significance. Last evaluated: 2016-06-09. Review status: criteria provided, single submitter. Criteria: EGL Classification Definitions 2015. Collection method: clinical testing. Allele origin: germline. Observed: 1 variant allele, 1 heterozygote.